The following is an entry in ClinVar:

NM_005609.4(PYGM):c.2021C>T (p.Ala674Val)

Gene: PYGM (glycogen phosphorylase, muscle associated; minus strand). Cytogenetic location: 11q13.1.
Variant type: single nucleotide variant.
Coding change: c.2021C>T on transcript NM_005609.4 (MANE Select); coding-DNA position 2021, C replaced by T.
Protein change: p.Ala674Val; replaces alanine 674 with valine.
Molecular consequence: missense variant.
Genome position (GRCh38, 1-based): chr11:64,750,532, G>A on the plus strand (C>T on the coding strand, the complement: PYGM is on the minus strand). VCF-style: chr11-64750532-G-A. GRCh37 (hg19) VCF-style: chr11-64518004-G-A.
Other names: c.1757C>T, p.Ala586Val (NM_001164716.1); short protein forms A586V, A674V.
Identifiers: ClinVar variation 2435329 (VCV002435329.6), dbSNP rs1413827545, ClinGen allele CA381168082.
Genomic context (GRCh38, chr11:64,750,532, plus strand): 5'-TCCATGGTGCCAATGGTCAGAGCCCCGTTGAGCATGAACTTCATGTTGCCGGTGCCTGAG[G>A]CTTCAGTGCCCGCAGTGGAGATCTGCTCAGAGAGGTCTGCAGCTGGGATCACTGTGGGGT-3'
Protein context (NP_005600.1, residues 664-684): SEQISTAGTE[Ala674Val]SGTGNMKFML

ClinVar aggregate classification (germline): Conflicting classifications of pathogenicity. Review status: criteria provided, conflicting classifications (1 of 4 stars). 3 submissions from 3 submitters: Likely pathogenic (1); Uncertain significance (2). Last evaluated 2025-06-24.

Conditions:
Glycogen storage disease, type V (GSD5). Also called: MCARDLE DISEASE; MUSCLE GLYCOGEN PHOSPHORYLASE DEFICIENCY; MYOPHOSPHORYLASE DEFICIENCY; PYGM DEFICIENCY; McArdle type glycogen storage disease. Identifiers: Orphanet 368, MedGen C0017924, MONDO:0009293, OMIM 232600.

Allele frequency attached by ClinVar (database versions not stated): gnomAD exomes below 0.00001; gnomAD 0.00001; TOPMed 0.00001.

Submissions (3):

Labcorp Genetics (formerly Invitae), Labcorp
Classification: Likely pathogenic for Glycogen storage disease, type V. Last evaluated: 2025-06-24. Review status: criteria provided, single submitter. Criteria: Invitae Variant Classification Sherloc (09022015). Collection method: clinical testing. Allele origin: germline.
Comment: This sequence change replaces alanine, which is neutral and non-polar, with valine, which is neutral and non-polar, at codon 674 of the PYGM protein (p.Ala674Val). This variant is present in population databases (no rsID available, gnomAD 0.002%). This missense change has been observed in individual(s) with clinical features of McArdle disease (internal data). In at least one individual the data is consistent with being in trans (on the opposite chromosome) from a pathogenic variant. ClinVar contains an entry for this variant (Variation ID: 2435329). Invitae Evidence Modeling of protein sequence and biophysical properties (such as structural, functional, and spatial information, amino acid conservation, physicochemical variation, residue mobility, and thermodynamic stability) indicates that this missense variant is expected to disrupt PYGM protein function with a positive predictive value of 95%. In summary, the currently available evidence indicates that the variant is pathogenic, but additional data are needed to prove that conclusively. Therefore, this variant has been classified as Likely Pathogenic.

Blueprint Genetics
Classification: Uncertain significance. Last evaluated: 2023-07-10. Review status: criteria provided, single submitter. Criteria: ACMG Guidelines, 2015. Collection method: clinical testing. Allele origin: germline.

Revvity Omics, Revvity
Classification: Uncertain significance for Glycogen storage disease, type V. Last evaluated: 2022-12-08. Review status: criteria provided, single submitter. Criteria: ACMG Guidelines, 2015. Collection method: clinical testing. Allele origin: germline.